The following is an entry in ClinVar:

ClinVar aggregate classification (germline): Pathogenic (1 of 4 stars; one submission).

Conditions:
Early-infantile DEE. Also called: Early infantile epileptic encephalopathy; Early infantile epileptic encephalopathy with suppression bursts; Ohtahara syndrome. Identifiers: Orphanet 1934, MedGen C0393706, MONDO:0800491.

Submission:

Labcorp Genetics (formerly Invitae), Labcorp
Classification: Pathogenic for Early-infantile DEE. Last evaluated: 2021-12-31. Review status: criteria provided, single submitter. Criteria: Invitae Variant Classification Sherloc (09022015). Collection method: clinical testing. Allele origin: germline.
Comment: For these reasons, this variant has been classified as Pathogenic. Experimental studies have shown that this missense change affects KCNQ2 function (PMID: 27030113). Advanced modeling of protein sequence and biophysical properties (such as structural, functional, and spatial information, amino acid conservation, physicochemical variation, residue mobility, and thermodynamic stability) performed at Invitae indicates that this missense variant is expected to disrupt KCNQ2 protein function. This missense change has been observed in individual(s) with epileptic encephalopathy (PMID: 23692823, 27030113). In at least one individual the variant was observed to be de novo. This variant is not present in population databases (gnomAD no frequency). This sequence change replaces valine, which is neutral and non-polar, with leucine, which is neutral and non-polar, at codon 175 of the KCNQ2 protein (p.Val175Leu).

Literature cited by the submitters: PubMed 27030113; PubMed 23692823.

NM_172107.4(KCNQ2):c.523G>T (p.Val175Leu)

Gene: KCNQ2 (potassium voltage-gated channel subfamily Q member 2; minus strand). Cytogenetic location: 20q13.33.
Variant type: single nucleotide variant.
Coding change: c.523G>T on transcript NM_172107.4 (MANE Select); coding-DNA position 523, G replaced by T.
Protein change: p.Val175Leu; replaces valine 175 with leucine.
Molecular consequence: missense variant.
Genome position (GRCh38, 1-based): chr20:63,444,826, C>A on the plus strand (G>T on the coding strand, the complement: KCNQ2 is on the minus strand). VCF-style: chr20-63444826-C-A. GRCh37 (hg19) VCF-style: chr20-62076179-C-A.
Other names: c.523G>T, p.Val175Leu (NM_001382235.1, NM_004518.6, NM_172106.3 and 2 more transcripts); short protein forms V175L.
Identifiers: ClinVar variation 2138369 (VCV002138369.4), dbSNP rs1057516082, ClinGen allele CA409654954.
Genomic context (GRCh38, chr20:63,444,826, plus strand): 5'-ATGTGGCAAAGACGTTGCCCTGGGAGCCGGCGGCCAGCACCGCAATGGAGGCGATGAGCA[C>A]CATGATGTCTACAAAGCGGGCGTGGAGCTGGTGAGCTGCTGGGCCGCTCCCCGCACCCCC-3'
Protein context (NP_742105.1, residues 165-185): RKPFCVIDIM[Val175Leu]LIASIAVLAA